The following is an entry in ClinVar:

GRCh37/hg19 8q11.1-11.21(chr8:47294183-48179333)x4

Genes: LINC00293 (long intergenic non-protein coding RNA 293; plus strand), SPIDR (scaffold protein involved in DNA repair; plus strand). Cytogenetic location: 8q11.1-11.21.
Variant type: copy number gain.
Change: copy number 4 of chr8:47,294,183-48,179,333 (885.2 kb, GRCh37 coordinates, 1-based), cytogenetic band 8q11.1-11.21.
Identifiers: ClinVar variation 548967 (VCV000548967.3).

ClinVar aggregate classification (germline): Uncertain significance (1 of 4 stars; one submission).

Submission:

Clinical Genomics Laboratory, Laboratory for Precision Diagnostics, University of Washington
Classification: Uncertain significance. Last evaluated: 2017-10-19. Review status: criteria provided, single submitter. Criteria: Clinical Cytogenomics Laboratory Policy on CNV Interpretation. Collection method: clinical testing. Allele origin: unknown. Affected: yes. Observed: 1 variant allele.

Literature cited by the submitters: PubMed 27967308.